The following is an entry in ClinVar:

NM_004991.4(MECOM):c.3420T>C (p.Tyr1140=)

Gene: MECOM (MDS1 and EVI1 complex locus; minus strand). Cytogenetic location: 3q26.2.
Variant type: single nucleotide variant.
Coding change: c.3420T>C on transcript NM_004991.4 (MANE Select); coding-DNA position 3420, T replaced by C.
Protein change: p.Tyr1140=; no amino-acid change (tyrosine 1140 retained).
Molecular consequence: synonymous variant.
Genome position (GRCh38, 1-based): chr3:169,089,165, A>G on the plus strand (T>C on the coding strand, the complement: MECOM is on the minus strand). VCF-style: chr3-169089165-A-G. GRCh37 (hg19) VCF-style: chr3-168806953-A-G.
Other names: c.3420T>C (NM_004991.3); c.3051T>C, p.Tyr1017= (NM_001105077.4); c.2856T>C, p.Tyr952= (NM_001105078.4, NM_001205194.2, NM_001366469.2 and 1 more transcripts); c.2832T>C, p.Tyr944= (NM_001163999.2, NM_001366470.2); c.2829T>C, p.Tyr943= (NM_001164000.2, NM_001366471.2, NM_001366472.2); c.3393T>C, p.Tyr1131= (NM_001366466.2); c.2859T>C, p.Tyr953= (NM_001366467.2, NM_001366468.2); c.2421T>C, p.Tyr807= (NM_001366473.2); and 1 more.
Identifiers: ClinVar variation 3025659 (VCV003025659.25), dbSNP rs143483858, ClinGen allele CA2695895.

ClinVar aggregate classification (germline): Likely benign. Review status: criteria provided, multiple submitters, no conflicts (2 of 4 stars). 3 submissions from 3 submitters: Likely benign (3). Last evaluated 2024-12-21.

Conditions:
Inborn genetic diseases. Identifiers: MedGen C0950123, MeSH D030342.

Allele frequency attached by ClinVar (database versions not stated): ExAC 0.00001; gnomAD 0.00001; gnomAD exomes 0.00001; TOPMed 0.00002; ESP Exome Variant Server 0.00008.
gnomAD v4.1: 14 of 1,545,676 alleles (0.00091%); highest among the groups gnomAD compares: South Asian, 0.0025%; 1 homozygote.

Submissions (3):

Ambry Genetics
Classification: Likely benign for Inborn genetic diseases. Last evaluated: 2024-12-21. Review status: criteria provided, single submitter. Criteria: Ambry Variant Classification Scheme 2023. Collection method: clinical testing. Allele origin: germline.

Labcorp Genetics (formerly Invitae), Labcorp
Classification: Likely benign. Last evaluated: 2024-08-16. Review status: criteria provided, single submitter. Criteria: Invitae Variant Classification Sherloc (09022015). Collection method: clinical testing. Allele origin: germline.

CeGaT Center for Human Genetics Tuebingen
Classification: Likely benign. Last evaluated: 2023-12-01. Review status: criteria provided, single submitter. Criteria: CeGaT Center For Human Genetics Tuebingen Variant Classification Criteria Version 2. Collection method: clinical testing. Allele origin: germline. Affected: yes. Observed: 1 variant allele.
Comment: MECOM: BP4